The following is an entry in ClinVar:

NM_003728.4(UNC5C):c.291T>C (p.Ser97=)

Gene: UNC5C (unc-5 netrin receptor C; minus strand). Cytogenetic location: 4q22.3.
Variant type: single nucleotide variant.
Coding change: c.291T>C on transcript NM_003728.4 (MANE Select); coding-DNA position 291, T replaced by C.
Protein change: p.Ser97=; no amino-acid change (serine 97 retained).
Molecular consequence: synonymous variant.
Genome position (GRCh38, 1-based): chr4:95,335,465, A>G on the plus strand (T>C on the coding strand, the complement: UNC5C is on the minus strand). VCF-style: chr4-95335465-A-G. GRCh37 (hg19) VCF-style: chr4-96256616-A-G.
Identifiers: ClinVar variation 3059355 (VCV003059355.2), dbSNP rs4699423, ClinGen allele CA3016030.

ClinVar aggregate classification (germline): Benign (0 of 4 stars; one submission).

Conditions:
UNC5C-related disorder. Also called: UNC5C-related condition.

Allele frequency attached by ClinVar (database versions not stated): ESP Exome Variant Server 0.36466; TOPMed 0.38989; gnomAD 0.39675; 1000 Genomes Project 30x 0.46533; gnomAD exomes 0.46539; 1000 Genomes Project 0.47863; ExAC 0.48318.
gnomAD v4.1: 739,573 of 1,611,764 alleles (46%); highest among the groups gnomAD compares: East Asian, 84%; 177,491 homozygotes.

Submission:

PreventionGenetics, part of Exact Sciences
Classification: Benign for UNC5C-related condition. Last evaluated: 2019-10-17. Review status: no assertion criteria provided. Collection method: clinical testing. Allele origin: germline.
Comment: This variant is classified as benign based on ACMG/AMP sequence variant interpretation guidelines (Richards et al. 2015 PMID: 25741868, with internal and published modifications).